The following is an entry in ClinVar:

NM_003873.7(NRP1):c.1012G>T (p.Ala338Ser)

Gene: NRP1 (neuropilin 1; minus strand). Cytogenetic location: 10p11.22.
Variant type: single nucleotide variant.
Coding change: c.1012G>T on transcript NM_003873.7 (MANE Select); coding-DNA position 1012, G replaced by T.
Protein change: p.Ala338Ser; replaces alanine 338 with serine.
Molecular consequence: missense variant. On other transcripts: non-coding transcript variant (1).
Genome position (GRCh38, 1-based): chr10:33,226,259, C>A on the plus strand (G>T on the coding strand, the complement: NRP1 is on the minus strand). VCF-style: chr10-33226259-C-A. GRCh37 (hg19) VCF-style: chr10-33515187-C-A.
Other names: c.1012G>T, p.Ala338Ser (NM_001024628.3, NM_001024629.3, NM_001244972.2 and 2 more transcripts); short protein forms A338S.
Identifiers: ClinVar variation 4985804 (VCV004985804.1).

ClinVar aggregate classification (germline): Uncertain significance (1 of 4 stars; one submission).

Conditions:
NRP1-related disorder. Also called: NRP1-related condition.

gnomAD v4.1: 13 of 1,613,994 alleles (0.00081%); highest among the groups gnomAD compares: Non-Finnish European, 0.001%; no homozygotes.

Submission:

PreventionGenetics, part of Exact Sciences
Classification: Uncertain significance for NRP1-related condition. Last evaluated: 2025-11-30. Review status: criteria provided, single submitter. Criteria: ACMG Guidelines, 2015. Collection method: clinical testing. Allele origin: germline.
Comment: The NRP1 c.1012G>T variant is predicted to result in the amino acid substitution p.Ala338Ser. To our knowledge, this variant has not been reported in the literature or in a large population database (gnomAD), indicating this variant is rare. At this time, the clinical significance of this variant is uncertain due to the absence of conclusive functional and genetic evidence.